The following is an entry in ClinVar:

NM_001543.5(NDST1):c.2317-22G>A

Gene: NDST1 (N-deacetylase and N-sulfotransferase 1; plus strand). Cytogenetic location: 5q33.1.
Variant type: single nucleotide variant.
Coding change: c.2317-22G>A on transcript NM_001543.5 (MANE Select); 22 bases into the intron before coding-DNA position 2317, G replaced by A.
Molecular consequence: intron variant.
Genome position (GRCh38, 1-based): chr5:150,549,656, G>A. VCF-style: chr5-150549656-G-A. GRCh37 (hg19) VCF-style: chr5-149929218-G-A.
Other names: c.2146-22G>A (NM_001301063.2).
Identifiers: ClinVar variation 5038634 (VCV005038634.1).

ClinVar aggregate classification (germline): Likely benign (1 of 4 stars; one submission).

gnomAD v4.1: 739 of 1,524,824 alleles (0.048%); highest among the groups gnomAD compares: Admixed American, 0.28%; 3 homozygotes.

Submission:

CeGaT Center for Human Genetics Tuebingen
Classification: Likely benign. Last evaluated: 2026-07-01. Review status: criteria provided, single submitter. Criteria: CeGaT Center For Human Genetics Tuebingen Variant Classification Criteria Version 2. Collection method: clinical testing. Allele origin: germline. Affected: yes. Observed: 1 variant allele.
Comment: NDST1: BP4, BP7